The following is an entry in ClinVar:

NM_000538.4(RFXAP):c.292C>A (p.Pro98Thr)

Gene: RFXAP (regulatory factor X associated protein; plus strand). Cytogenetic location: 13q13.3.
Variant type: single nucleotide variant.
Coding change: c.292C>A on transcript NM_000538.4 (MANE Select); coding-DNA position 292, C replaced by A.
Protein change: p.Pro98Thr; replaces proline 98 with threonine.
Molecular consequence: missense variant.
Genome position (GRCh38, 1-based): chr13:36,819,649, C>A. VCF-style: chr13-36819649-C-A. GRCh37 (hg19) VCF-style: chr13-37393786-C-A.
Other names: short protein forms P98T.
Identifiers: ClinVar variation 1473293 (VCV001473293.6), dbSNP rs2057955091, ClinGen allele CA387854552.
Genomic context (GRCh38, chr13:36,819,649, plus strand): 5'-GCCGGGGATGGCGAAGAGGAGGCTGGGGAGGACGAGGCGGACCTGTTAGACACTTCGGAC[C>A]CTCCGGGGGGAGGCGAGAGCGCGGCTAGTTTGGAGGATCTAGAGGACGAGGAGACTCACT-3'
Protein context (NP_000529.1, residues 88-108): DEADLLDTSD[Pro98Thr]PGGGESAASL

ClinVar aggregate classification (germline): Uncertain significance (1 of 4 stars; one submission).

Conditions:
MHC class II deficiency. Also called: BLS, TYPE II; Bare lymphocyte syndrome 2. Identifiers: Orphanet 572, MedGen C5447452, MONDO:0008855.

Allele frequency attached by ClinVar (database versions not stated): gnomAD exomes below 0.00001.
gnomAD v4.1: 1 of 1,547,984 alleles (0.000065%); highest among the groups gnomAD compares: African/African-American, 0.0014%; no homozygotes.

Submission:

Labcorp Genetics (formerly Invitae), Labcorp
Classification: Uncertain significance for MHC class II deficiency. Last evaluated: 2021-10-12. Review status: criteria provided, single submitter. Criteria: Invitae Variant Classification Sherloc (09022015). Collection method: clinical testing. Allele origin: germline.
Comment: This sequence change replaces proline with threonine at codon 98 of the RFXAP protein (p.Pro98Thr). The proline residue is moderately conserved and there is a small physicochemical difference between proline and threonine. The frequency data for this variant in the population databases is considered unreliable, as metrics indicate insufficient coverage at this position in the ExAC database. This variant has not been reported in the literature in individuals affected with RFXAP-related conditions. Algorithms developed to predict the effect of missense changes on protein structure and function are either unavailable or do not agree on the potential impact of this missense change (SIFT: "Deleterious"; PolyPhen-2: "Possibly Damaging"; Align-GVGD: "Class C0"). In summary, the available evidence is currently insufficient to determine the role of this variant in disease. Therefore, it has been classified as a Variant of Uncertain Significance.